The following is an entry in ClinVar:

NM_014244.5(ADAMTS2):c.1132+5G>A

Gene: ADAMTS2 (ADAM metallopeptidase with thrombospondin type 1 motif 2; minus strand). Cytogenetic location: 5q35.3.
Variant type: single nucleotide variant.
Coding change: c.1132+5G>A on transcript NM_014244.5 (MANE Select); 5 bases into the intron after coding-DNA position 1132, G replaced by A.
Molecular consequence: intron variant.
Genome position (GRCh38, 1-based): chr5:179,158,718, C>T on the plus strand (G>A on the coding strand, the complement: ADAMTS2 is on the minus strand). VCF-style: chr5-179158718-C-T. GRCh37 (hg19) VCF-style: chr5-178585719-C-T.
Other names: c.1132+5G>A (NM_021599.4).
Identifiers: ClinVar variation 1385756 (VCV001385756.3), dbSNP rs771663705, ClinGen allele CA3596037.

ClinVar aggregate classification (germline): Uncertain significance (1 of 4 stars; one submission).

Conditions:
Ehlers-Danlos syndrome, dermatosparaxis type. Also called: Dermatosparaxis; Ehlers-Danlos syndrome, type VII, autosomal recessive; EDS VIIC. Identifiers: Orphanet 1901, MedGen C2700425, MONDO:0009161, OMIM 225410.

Allele frequency attached by ClinVar (database versions not stated): gnomAD exomes below 0.00001 and 0.00001; ExAC 0.00001; gnomAD 0.00001; TOPMed 0.00002.
gnomAD v4.1: 10 of 1,614,028 alleles (0.00062%); highest among the groups gnomAD compares: Admixed American, 0.0017%; no homozygotes.

Submission:

Labcorp Genetics (formerly Invitae), Labcorp
Classification: Uncertain significance for Ehlers-Danlos syndrome, dermatosparaxis type. Last evaluated: 2021-04-05. Review status: criteria provided, single submitter. Criteria: Invitae Variant Classification Sherloc (09022015). Collection method: clinical testing. Allele origin: germline.
Comment: This sequence change falls in intron 6 of the ADAMTS2 gene. It does not directly change the encoded amino acid sequence of the ADAMTS2 protein. It affects a nucleotide within the consensus splice site of the intron. This variant is present in population databases (rs771663705, ExAC 0.002%). This variant has not been reported in the literature in individuals with ADAMTS2-related conditions. Nucleotide substitutions within the consensus splice site are a relatively common cause of aberrant splicing (PMID: 17576681, 9536098). Algorithms developed to predict the effect of sequence changes on RNA splicing suggest that this variant may disrupt the consensus splice site, but this prediction has not been confirmed by published transcriptional studies. In summary, the available evidence is currently insufficient to determine the role of this variant in disease. Therefore, it has been classified as a Variant of Uncertain Significance.

Literature cited by the submitters: PubMed 17576681; PubMed 9536098.